The following is an entry in ClinVar:

ClinVar aggregate classification (germline): Pathogenic (1 of 4 stars; one submission).

Conditions:
Orofacial cleft 1 (OFC1). Also called: CLEFT LIP WITH OR WITHOUT CLEFT PALATE, NONSYNDROMIC, 1; OROFACIAL CLEFT, NONSYNDROMIC; Nonsyndromic Cleft Lip/Palate. Identifiers: MedGen C1861537, MeSH C566121, MONDO:0007335, OMIM 119530.

Submission:

Genetics Research Group, Universidad San Francisco de Quito
Classification: Pathogenic for Orofacial cleft 1. Last evaluated: 2025-09-01. Review status: criteria provided, single submitter. Criteria: ACMG Guidelines, 2015. Collection method: research. Allele origin: germline. Inheritance: Oligogenic inheritance. Affected: yes. Observed: 1 heterozygote.
Comment: The NM_001206696.2:c.662T>C (p.Leu221Pro) variant in IRF6 (equivalent to NM_006147.4:c.947T>C; p.Leu316Pro) is a heterozygous missense variant located within a conserved region of the DNA-binding domain, essential for IRF6’s transcriptional regulation during craniofacial and orofacial development (PM1). This variant is absent from gnomAD and other large population databases, indicating it is not a common polymorphism (PM2). In silico analyses predict a damaging effect on protein structure and function, with the substitution of a nonpolar leucine by a structurally constrained proline residue likely affecting the α-helix conformation and DNA interaction (PP3). Although most IRF6 pathogenic variants are linked to Van der Woude or Popliteal Pterygium syndromes, heterozygous missense variants in the same functional domain have been recurrently observed in individuals with isolated clefts, suggesting allelic heterogeneity (PS4_supporting). Although this variant has a gnomAD frequency of 0.0915, suggesting it is likely benign (BA1), structural modeling of the EGF domain (amino acids 677–710) indicated local conformational changes and electrostatic surface alterations that could subtly influence Notch pathway signaling. Given that JAG2 and IRF6 are known to interact in murine models of palatogenesis, a potential modifying effect cannot be excluded. In summary, the IRF6 c.662T>C (p.Leu221Pro) variant fulfills ACMG/AMP criteria PM1, PM2, PP3, PP4, and PS4_supporting, supporting its classification as pathogenic for non-syndromic cleft lip and palate, while the JAG2 p.Arg688His variant may act as a modifier of phenotype expressivity.

NM_006147.4(IRF6):c.947T>C (p.Leu316Pro)

Gene: IRF6 (interferon regulatory factor 6; minus strand). Cytogenetic location: 1q32.2.
Variant type: single nucleotide variant.
Coding change: c.947T>C on transcript NM_006147.4 (MANE Select); coding-DNA position 947, T replaced by C.
Protein change: p.Leu316Pro; replaces leucine 316 with proline.
Molecular consequence: missense variant.
Genome position (GRCh38, 1-based): chr1:209,790,608, A>G on the plus strand (T>C on the coding strand, the complement: IRF6 is on the minus strand). VCF-style: chr1-209790608-A-G. GRCh37 (hg19) VCF-style: chr1-209963953-A-G.
Other names: c.662T>C, p.Leu221Pro (NM_001206696.2); short protein forms L221P, L316P.
Identifiers: ClinVar variation 4294309 (VCV004294309.1).